The following is an entry in ClinVar:

ClinVar aggregate classification (germline): Uncertain significance. Review status: criteria provided, single submitter (1 of 4 stars). 2 submissions from 2 submitters: Uncertain significance (1). 1 of the submissions does not count toward it. Last evaluated 2023-12-04.

Conditions:
VPS13B-related disorder. Also called: VPS13B-related condition.

Submissions (2):

Blueprint Genetics
Classification: Uncertain significance. Last evaluated: 2023-12-04. Review status: criteria provided, single submitter. Criteria: ACMG Guidelines, 2015. Collection method: clinical testing. Allele origin: germline.

PreventionGenetics, part of Exact Sciences
Classification: Uncertain significance for VPS13B-related condition. Last evaluated: 2024-08-23. Review status: no assertion criteria provided. Collection method: clinical testing. Allele origin: germline. Not counted in ClinVar's aggregate classification.
Comment: The VPS13B c.6170C>A variant is predicted to result in the amino acid substitution p.Thr2057Asn. To our knowledge, this variant has not been reported in the literature or in a large population database, indicating this variant is rare. At this time, the clinical significance of this variant is uncertain due to the absence of conclusive functional and genetic evidence.

NM_152564.5(VPS13B):c.6170C>A (p.Thr2057Asn)

Gene: VPS13B (vacuolar protein sorting 13 homolog B; plus strand). Cytogenetic location: 8q22.2.
Variant type: single nucleotide variant.
Coding change: c.6170C>A on transcript NM_152564.5 (MANE Select); coding-DNA position 6170, C replaced by A.
Protein change: p.Thr2057Asn; replaces threonine 2057 with asparagine.
Molecular consequence: missense variant.
Genome position (GRCh38, 1-based): chr8:99,699,648, C>A. VCF-style: chr8-99699648-C-A. GRCh37 (hg19) VCF-style: chr8-100711876-C-A.
Other names: c.6245C>A, p.Thr2082Asn (NM_017890.5); short protein forms T2057N, T2082N.
Identifiers: ClinVar variation 3355015 (VCV003355015.2).